The following is an entry in ClinVar:

ClinVar aggregate classification (germline): Uncertain significance. Review status: criteria provided, multiple submitters, no conflicts (2 of 4 stars). 4 submissions from 4 submitters: Uncertain significance (4). Last evaluated 2024-08-20.

Conditions:
Inborn genetic diseases. Identifiers: MedGen C0950123, MeSH D030342.
Bardet-Biedl syndrome (BBS). Identifiers: Orphanet 110, MedGen C0752166, MONDO:0015229.
Bardet-Biedl syndrome 8 (BBS8). Identifiers: Orphanet 110, MedGen C1859566, MONDO:0014436, OMIM 615985.
Retinitis pigmentosa 51 (RP51). Identifiers: Orphanet 791, MedGen C3150715, MONDO:0013274, OMIM 613464.

Allele frequency attached by ClinVar (database versions not stated): TOPMed 0.00001; gnomAD exomes 0.00002; ExAC 0.00003; gnomAD 0.00003; 1000 Genomes Project 30x 0.00016; 1000 Genomes Project 0.00020.

Submissions (4):

Ambry Genetics
Classification: Uncertain significance for Inborn genetic diseases. Last evaluated: 2024-08-20. Review status: criteria provided, single submitter. Criteria: Ambry Variant Classification Scheme 2023. Collection method: clinical testing. Allele origin: germline.

Fulgent Genetics
Classification: Uncertain significance for Retinitis pigmentosa 51; Bardet-Biedl syndrome 8. Last evaluated: 2024-03-04. Review status: criteria provided, single submitter. Criteria: ACMG Guidelines, 2015. Collection method: clinical testing. Allele origin: germline.

Blueprint Genetics
Classification: Uncertain significance. Last evaluated: 2023-06-09. Review status: criteria provided, single submitter. Criteria: ACMG Guidelines, 2015. Collection method: clinical testing. Allele origin: germline.

Labcorp Genetics (formerly Invitae), Labcorp
Classification: Uncertain significance for Bardet-Biedl syndrome. Last evaluated: 2022-08-22. Review status: criteria provided, single submitter. Criteria: Invitae Variant Classification Sherloc (09022015). Collection method: clinical testing. Allele origin: germline.
Comment: This sequence change replaces glutamine, which is neutral and polar, with arginine, which is basic and polar, at codon 211 of the TTC8 protein (p.Gln211Arg). This variant is present in population databases (rs539784539, gnomAD 0.04%). This variant has not been reported in the literature in individuals affected with TTC8-related conditions. Algorithms developed to predict the effect of missense changes on protein structure and function (SIFT, PolyPhen-2, Align-GVGD) all suggest that this variant is likely to be tolerated. In summary, the available evidence is currently insufficient to determine the role of this variant in disease. Therefore, it has been classified as a Variant of Uncertain Significance.

NM_144596.4(TTC8):c.662A>G (p.Gln221Arg)

Gene: TTC8 (tetratricopeptide repeat domain 8; plus strand). Cytogenetic location: 14q31.3.
Variant type: single nucleotide variant.
Coding change: c.662A>G on transcript NM_144596.4 (MANE Select); coding-DNA position 662, A replaced by G.
Protein change: p.Gln221Arg; replaces glutamine 221 with arginine.
Molecular consequence: missense variant. On other transcripts: 5 prime UTR variant (1), non-coding transcript variant (1).
Genome position (GRCh38, 1-based): chr14:88,853,008, A>G. VCF-style: chr14-88853008-A-G. GRCh37 (hg19) VCF-style: chr14-89319352-A-G.
Other names: c.632A>G (NM_198309.2); c.710A>G, p.Gln237Arg (NM_001288781.1); c.68A>G, p.Gln23Arg (NM_001288782.1); c.-56A>G (NM_001288783.1); c.632A>G, p.Gln211Arg (NM_001366535.2, NM_198309.3); c.542A>G, p.Gln181Arg (NM_001366536.2, NM_198310.3); short protein forms Q211R, Q221R, Q23R, Q181R, Q237R.
Identifiers: ClinVar variation 2150029 (VCV002150029.4), dbSNP rs539784539, ClinGen allele CA7302554.